The following is an entry in ClinVar:

ClinVar aggregate classification (germline): Likely benign (1 of 4 stars; one submission).

Allele frequency attached by ClinVar (database versions not stated): gnomAD 0.00003; gnomAD exomes 0.00006; ExAC 0.00009; TOPMed 0.00009; ESP Exome Variant Server 0.00015.
gnomAD v4.1: 108 of 1,611,642 alleles (0.0067%); highest among the groups gnomAD compares: Non-Finnish European, 0.0089%; no homozygotes.

Submission:

GeneDx
Classification: Likely benign. Last evaluated: 2013-01-31. Review status: criteria provided, single submitter. Criteria: GeneDx Variant Classification (06012015). Collection method: clinical testing. Allele origin: germline. Affected: yes.
Comment: This variant is considered likely benign or benign based on one or more of the following criteria: it is a conservative change, it occurs at a poorly conserved position in the protein, it is predicted to be benign by multiple in silico algorithms, and/or has population frequency not consistent with disease.

NM_001042432.2(CLN3):c.-33C>A

Gene: CLN3 (CLN3 lysosomal/endosomal transmembrane protein, battenin; minus strand). Cytogenetic location: 16p12.1.
Variant type: single nucleotide variant.
Coding change: c.-33C>A on transcript NM_001042432.2 (MANE Select); 33 bases upstream of the start codon, C replaced by A.
Molecular consequence: 5 prime UTR variant.
Genome position (GRCh38, 1-based): chr16:28,491,792, G>T on the plus strand (C>A on the coding strand, the complement: CLN3 is on the minus strand). VCF-style: chr16-28491792-G-T. GRCh37 (hg19) VCF-style: chr16-28503113-G-T.
Other names: c.-33C>A (NM_000086.2, NM_001286104.2); c.-174C>A (NM_001286105.2); c.-116C>A (NM_001286109.2, NM_001286110.2).
Identifiers: ClinVar variation 205082 (VCV000205082.1), dbSNP rs368494637, ClinGen allele CA313679.
Genomic context (GRCh38, chr16:28,491,792, plus strand): 5'-GCCGCCGCGAGCCTGCACAGCCTCCCATCGCATCAAGTTCAGGTCCCCCGAGGGTCCAGG[G>T]TCATAGAGTGTCCAAAGGGGGCTCCCACGGGAGGGATGAGGGTCTGCGACAGGTGACAAG-3'